The following is an entry in ClinVar:

NM_006269.2(RP1):c.5638C>A (p.Pro1880Thr)

Genes: RP1 (RP1 axonemal microtubule associated; plus strand), LOC126860392 (CDK7 strongly-dependent group 2 enhancer GRCh37_chr8:55541319-55542518; plus strand). Cytogenetic location: 8q12.1.
Variant type: single nucleotide variant.
Coding change: c.5638C>A on transcript NM_006269.2 (MANE Select); coding-DNA position 5638, C replaced by A.
Protein change: p.Pro1880Thr; replaces proline 1880 with threonine.
Molecular consequence: missense variant. On other transcripts: intron variant (1).
Genome position (GRCh38, 1-based): chr8:54,629,520, C>A. VCF-style: chr8-54629520-C-A. GRCh37 (hg19) VCF-style: chr8-55542080-C-A.
Other names: c.787+7232C>A (NM_001375654.1); short protein forms P1880T.
Identifiers: ClinVar variation 2973941 (VCV002973941.4), dbSNP rs200764671, ClinGen allele CA177183892.
Genomic context (GRCh38, chr8:54,629,520, plus strand): 5'-TCAGAAAGAGTATGCACATCTGTCACTCATTCCTTTATTTCTGCTGGTAACAAAGTCTAC[C>A]CTGTCTCTGATGATGCTATTAAAAACCAACCATTGCCTGGCAGTAATATGATTCATGGTA-3'
Protein context (NP_006260.1, residues 1870-1890): SFISAGNKVY[Pro1880Thr]VSDDAIKNQP

ClinVar aggregate classification (germline): Uncertain significance. Review status: criteria provided, multiple submitters, no conflicts (2 of 4 stars). 2 submissions from 2 submitters: Uncertain significance (2). Last evaluated 2026-01-26.

Allele frequency attached by ClinVar (database versions not stated): TOPMed 0.00001; gnomAD 0.00004.
gnomAD v4.1: 23 of 1,613,874 alleles (0.0014%); highest among the groups gnomAD compares: African/African-American, 0.008%; no homozygotes.

Submissions (2):

Labcorp Genetics (formerly Invitae), Labcorp
Classification: Uncertain significance. Last evaluated: 2026-01-26. Review status: criteria provided, single submitter. Criteria: Invitae Variant Classification Sherloc (09022015). Collection method: clinical testing. Allele origin: germline.
Comment: This sequence change replaces proline, which is neutral and non-polar, with threonine, which is neutral and polar, at codon 1880 of the RP1 protein (p.Pro1880Thr). This variant is present in population databases (rs200764671, gnomAD 0.008%). This variant has not been reported in the literature in individuals affected with RP1-related conditions. ClinVar contains an entry for this variant (Variation ID: 2973941). An algorithm developed to predict the effect of missense changes on protein structure and function (PolyPhen-2) suggests that this variant is likely to be disruptive. In summary, the available evidence is currently insufficient to determine the role of this variant in disease. Therefore, it has been classified as a Variant of Uncertain Significance.

Blueprint Genetics
Classification: Uncertain significance. Last evaluated: 2022-09-15. Review status: criteria provided, single submitter. Criteria: ACMG Guidelines, 2015. Collection method: clinical testing. Allele origin: germline.